The following is an entry in ClinVar:

ClinVar aggregate classification (germline): Likely benign (1 of 4 stars; one submission).

Allele frequency attached by ClinVar (database versions not stated): ExAC 0.00044.
gnomAD v4.1: 63 of 1,526,952 alleles (0.0041%); highest among the groups gnomAD compares: South Asian, 0.062%; 1 homozygote.

Submission:

CeGaT Center for Human Genetics Tuebingen
Classification: Likely benign. Last evaluated: 2022-12-01. Review status: criteria provided, single submitter. Criteria: CeGaT Center For Human Genetics Tuebingen Variant Classification Criteria Version 2. Collection method: clinical testing. Allele origin: germline. Affected: yes. Observed: 2 variant alleles.
Comment: BRSK2: BP4, BP7

NM_001256627.2(BRSK2):c.2046C>T (p.Asn682=)

Gene: BRSK2 (BR serine/threonine kinase 2; plus strand). Cytogenetic location: 11p15.5.
Variant type: single nucleotide variant.
Coding change: c.2046C>T on transcript NM_001256627.2 (MANE Select); coding-DNA position 2046, C replaced by T.
Protein change: p.Asn682=; no amino-acid change (asparagine 682 retained).
Molecular consequence: synonymous variant. On other transcripts: intron variant (3).
Genome position (GRCh38, 1-based): chr11:1,460,558, C>T. VCF-style: chr11-1460558-C-T. GRCh37 (hg19) VCF-style: chr11-1481788-C-T.
Other names: c.2136C>T, p.Asn712= (NM_001256630.1); c.*10-412C>T (NM_001256629.2, NM_001282218.2); c.1988-412C>T (NM_003957.4).
Identifiers: ClinVar variation 2641345 (VCV002641345.24), dbSNP rs748939987, ClinGen allele CA5811484.